The following is an entry in ClinVar:

NM_020163.3(SEMA3G):c.1678C>T (p.Arg560Cys)

Gene: SEMA3G (semaphorin 3G; minus strand). Cytogenetic location: 3p21.1.
Variant type: single nucleotide variant.
Coding change: c.1678C>T on transcript NM_020163.3 (MANE Select); coding-DNA position 1678, C replaced by T.
Protein change: p.Arg560Cys; replaces arginine 560 with cysteine.
Molecular consequence: missense variant.
Genome position (GRCh38, 1-based): chr3:52,438,031, G>A on the plus strand (C>T on the coding strand, the complement: SEMA3G is on the minus strand). VCF-style: chr3-52438031-G-A. GRCh37 (hg19) VCF-style: chr3-52472047-G-A.
Other names: short protein forms R560C.
Identifiers: ClinVar variation 4985293 (VCV004985293.1).
Genomic context (GRCh38, chr3:52,438,031, plus strand): 5'-CTTCCTGGCTCTGGCCCAGGCACTGCAGGGCAGGGTTGCCGTGCCGGATGTCCTGCCGGC[G>A]GAACCGGCGCTTGCCAAGGCTGGGGCGGTAGTGGGTACAGGAGGCACCATCCCAGGCACA-3'
Protein context (NP_064548.1, residues 550-570): YRPSLGKRRF[Arg560Cys]RQDIRHGNPA

ClinVar aggregate classification (germline): Uncertain significance (1 of 4 stars; one submission).

Conditions:
SEMA3G-related disorder. Also called: SEMA3G-related condition.

gnomAD v4.1: 62 of 1,613,008 alleles (0.0038%); highest among the groups gnomAD compares: East Asian, 0.0045%; no homozygotes.

Submission:

PreventionGenetics, part of Exact Sciences
Classification: Uncertain significance for SEMA3G-related condition. Last evaluated: 2026-04-30. Review status: criteria provided, single submitter. Criteria: ACMG Guidelines, 2015. Collection method: clinical testing. Allele origin: germline.
Comment: The SEMA3G c.1678C>T variant is predicted to result in the amino acid substitution p.Arg560Cys. To our knowledge, this variant has not been reported in the literature. This variant is reported in 0.010% of alleles in individuals of East Asian descent in gnomAD. At this time, the clinical significance of this variant is uncertain due to the absence of conclusive functional and genetic evidence.